The following is an entry in ClinVar:

ClinVar aggregate classification (germline): Pathogenic (1 of 4 stars; one submission).

Conditions:
Primary ciliary dyskinesia 3. Identifiers: Orphanet 244, MedGen C1837618, MONDO:0012085, OMIM 608644.

Submission:

Myriad Genetics, Inc.
Classification: Pathogenic for Primary ciliary dyskinesia 3. Last evaluated: 2024-05-14. Review status: criteria provided, single submitter. Criteria: Myriad Autosomal Dominant, Autosomal Recessive and X-Linked Classification Criteria (2023). Collection method: clinical testing. Allele origin: unknown.
Comment: NM_001369.2(DNAH5):c.1466_1467ins11(L490Pfs*33) is expected to be pathogenic in the context of primary ciliary dyskinesia, DNAH5-related. This variant is predicted to lead to an abnormal or absent protein product due to the creation of a premature termination codon in DNAH5, a gene where loss-of-function variants are known to be pathogenic. Please note: this variant was assessed in the context of healthy population screening.

NM_001369.3(DNAH5):c.1466_1467insGCCGTATCATT (p.Leu490fs)

Gene: DNAH5 (dynein axonemal heavy chain 5; minus strand). Cytogenetic location: 5p15.2.
Variant type: Insertion.
Coding change: c.1466_1467insGCCGTATCATT on transcript NM_001369.3 (MANE Select); coding-DNA positions 1466 to 1467, GCCGTATCATT inserted.
Protein change: p.Leu490fs; shifts the reading frame from leucine 490.
Molecular consequence: frameshift variant.
Genome position: GRCh38 VCF-style: chr5-13913812-G-GAATGATACGGC. GRCh37 (hg19) VCF-style: chr5-13913921-G-GAATGATACGGC.
Other names: short protein forms L490fs.
Identifiers: ClinVar variation 5011081 (VCV005011081.1).